The following is an entry in ClinVar:

NM_022124.6(CDH23):c.5868C>A (p.His1956Gln)

Gene: CDH23 (cadherin related 23; plus strand). Cytogenetic location: 10q22.1.
Variant type: single nucleotide variant.
Coding change: c.5868C>A on transcript NM_022124.6 (MANE Select); coding-DNA position 5868, C replaced by A.
Protein change: p.His1956Gln; replaces histidine 1956 with glutamine.
Molecular consequence: missense variant.
Genome position (GRCh38, 1-based): chr10:71,788,987, C>A. VCF-style: chr10-71788987-C-A. GRCh37 (hg19) VCF-style: chr10-73548744-C-A.
Other names: short protein forms H1956Q.
Identifiers: ClinVar variation 2779208 (VCV002779208.3), dbSNP rs1841172413, ClinGen allele CA377149539.

ClinVar aggregate classification (germline): Uncertain significance (1 of 4 stars; one submission).

Allele frequency attached by ClinVar (database versions not stated): gnomAD exomes below 0.00001; TOPMed below 0.00001.
gnomAD v4.1: 2 of 1,602,500 alleles (0.00012%); highest among the groups gnomAD compares: Non-Finnish European, 0.00017%; no homozygotes.

Submission:

Labcorp Genetics (formerly Invitae), Labcorp
Classification: Uncertain significance. Last evaluated: 2023-10-19. Review status: criteria provided, single submitter. Criteria: Invitae Variant Classification Sherloc (09022015). Collection method: clinical testing. Allele origin: germline.
Comment: This sequence change replaces histidine, which is basic and polar, with glutamine, which is neutral and polar, at codon 1956 of the CDH23 protein (p.His1956Gln). This variant is not present in population databases (gnomAD no frequency). This variant has not been reported in the literature in individuals affected with CDH23-related conditions. Advanced modeling of protein sequence and biophysical properties (such as structural, functional, and spatial information, amino acid conservation, physicochemical variation, residue mobility, and thermodynamic stability) performed at Invitae indicates that this missense variant is not expected to disrupt CDH23 protein function. In summary, the available evidence is currently insufficient to determine the role of this variant in disease. Therefore, it has been classified as a Variant of Uncertain Significance.